The following is an entry in ClinVar:

ClinVar aggregate classification (germline): Pathogenic/Likely pathogenic. Review status: criteria provided, multiple submitters, no conflicts (2 of 4 stars). 3 submissions from 3 submitters: Pathogenic (1); Likely pathogenic (1). 1 of the submissions does not count toward it. Last evaluated 2024-07-02.

Conditions:
Tyrosinemia type I (TYRSN1). Also called: FAH DEFICIENCY; Tyrosinemia type 1; Fumarylacetoacetase deficiency; Deficiency of fumarylacetoacetase; HEPATORENAL TYROSINEMIA. Identifiers: Orphanet 882, MedGen C0268490, MONDO:0010161, OMIM 276700. Disease mechanism: loss of function.

Allele frequency attached by ClinVar (database versions not stated): gnomAD exomes below 0.00001.
gnomAD v4.1: 1 of 1,609,304 alleles (0.000062%); highest among the groups gnomAD compares: Non-Finnish European, 0.000085%; no homozygotes.

Submissions (3):

Natera, Inc.
Classification: Likely pathogenic for Tyrosinemia type I. Last evaluated: 2024-07-02. Review status: criteria provided, single submitter. Criteria: Natera Variant Classification Schema (03/2026). Collection method: clinical testing. Allele origin: germline.
Comment: The c.700T>G variant in FAH is a missense variant predicted to cause substitution of tryptophan to glycine at amino acid 234. This variant is rare in the general population with a frequency below the threshold expected for the associated phenotype(s). This variant has been observed in one or more individuals affected with the associated recessive disease, as either homozygous or compound heterozygous with a second variant (PMID: 7550234). Functional studies show that this variant may disrupt protein function (PMID: 7550234). Computational prediction algorithms indicate this variant is likely to affect gene or protein function. Given the available evidence, this variant is classified as Likely Pathogenic.

Labcorp Genetics (formerly Invitae), Labcorp
Classification: Pathogenic for Tyrosinemia type I. Last evaluated: 2022-09-01. Review status: criteria provided, single submitter. Criteria: Invitae Variant Classification Sherloc (09022015). Collection method: clinical testing. Allele origin: germline.
Comment: ClinVar contains an entry for this variant (Variation ID: 554643). Advanced modeling of protein sequence and biophysical properties (such as structural, functional, and spatial information, amino acid conservation, physicochemical variation, residue mobility, and thermodynamic stability) performed at Invitae indicates that this missense variant is expected to disrupt FAH protein function. Experimental studies have shown that this missense change affects FAH function (PMID: 7550234, 11278491, 31300554). For these reasons, this variant has been classified as Pathogenic. This missense change has been observed in individual(s) with tyrosinemia type 1 (PMID: 7550234). In at least one individual the data is consistent with being in trans (on the opposite chromosome) from a pathogenic variant. This sequence change replaces tryptophan, which is neutral and slightly polar, with glycine, which is neutral and non-polar, at codon 234 of the FAH protein (p.Trp234Gly). This variant is not present in population databases (gnomAD no frequency).

Counsyl
Classification: Uncertain significance for Tyrosinemia type I. Last evaluated: 2017-10-27. Review status: no assertion criteria provided. Collection method: clinical testing. Allele origin: unknown. Not counted in ClinVar's aggregate classification.

Literature cited by the submitters: PubMed 7550234 (cited by 3 submitters); PubMed 11278491 (cited by Labcorp Genetics (formerly Invitae), Labcorp and Counsyl); PubMed 31300554 (cited by Labcorp Genetics (formerly Invitae), Labcorp); PubMed 10508789 (cited by Counsyl).

NM_000137.4(FAH):c.700T>G (p.Trp234Gly)

Gene: FAH (fumarylacetoacetate hydrolase; plus strand). Cytogenetic location: 15q25.1.
Variant type: single nucleotide variant.
Coding change: c.700T>G on transcript NM_000137.4 (MANE Select); coding-DNA position 700, T replaced by G.
Protein change: p.Trp234Gly; replaces tryptophan 234 with glycine.
Molecular consequence: missense variant.
Genome position (GRCh38, 1-based): chr15:80,172,242, T>G. VCF-style: chr15-80172242-T-G. GRCh37 (hg19) VCF-style: chr15-80464584-T-G.
Other names: c.700T>G, p.Trp234Gly (NM_001374377.1, NM_001374380.1); short protein forms W234G.
Identifiers: ClinVar variation 554643 (VCV000554643.11), dbSNP rs1555441595, ClinGen allele CA393620606.